The following is an entry in ClinVar:

NM_001369369.1(FOXN1):c.1064del (p.Lys355fs)

Gene: FOXN1 (forkhead box N1; plus strand). Cytogenetic location: 17q11.2.
Variant type: Deletion.
Coding change: c.1064del on transcript NM_001369369.1 (MANE Select); coding-DNA position 1064, one base deleted (A; older notation c.1064delA).
Protein change: p.Lys355fs; shifts the reading frame from lysine 355.
Molecular consequence: frameshift variant.
Genome position (GRCh38, 1-based): chr17:28,534,467, A deleted; the last of 2 consecutive A bases (chr17:28,534,466-28,534,467); deleting either gives the same sequence. VCF-style (leftmost placement, unchanged base first): chr17-28534465-CA-C. GRCh37 (hg19) VCF-style: chr17-26861483-CA-C.
Other names: c.1064del, p.Lys355fs (NM_003593.3); short protein forms K355fs.
Identifiers: ClinVar variation 2815940 (VCV002815940.3), dbSNP rs2508423710, ClinGen allele CA2576207967.
Genomic context (GRCh38, chr17:28,534,465, plus strand): 5'-CAAATCAGGAAGTTCCTCCCGCAAGGGCTGCCTGTGGGCCCTCAATCCGGCCAAGATCGA[CA>C]AGATGCAAGAGGAGCTGCAAAAATGGAAGAGGAAAGATCCCATTGCTGTGCGCAAAAGCA-3'

ClinVar aggregate classification (germline): Pathogenic (1 of 4 stars; one submission).

Conditions:
T-cell immunodeficiency, congenital alopecia, and nail dystrophy. Also called: Congenital alopecia and nail dystrophy associated with severe functional T-cell immunodeficiency; Pignata Guarino syndrome. Identifiers: Orphanet 169095, MedGen C1866426, MONDO:0011132, OMIM 601705.

Submission:

Labcorp Genetics (formerly Invitae), Labcorp
Classification: Pathogenic for T-cell immunodeficiency, congenital alopecia, and nail dystrophy. Last evaluated: 2022-11-23. Review status: criteria provided, single submitter. Criteria: Invitae Variant Classification Sherloc (09022015). Collection method: clinical testing. Allele origin: germline.
Comment: For these reasons, this variant has been classified as Pathogenic. This variant disrupts a region of the FOXN1 protein in which other variant(s) (p.Gln489Argfs*61) have been determined to be pathogenic (PMID: 31566583; Invitae). This suggests that this is a clinically significant region of the protein, and that variants that disrupt it are likely to be disease-causing. This variant has not been reported in the literature in individuals affected with FOXN1-related conditions. This variant is not present in population databases (gnomAD no frequency). This sequence change creates a premature translational stop signal (p.Lys355Argfs*195) in the FOXN1 gene. While this is not anticipated to result in nonsense mediated decay, it is expected to disrupt the last 294 amino acid(s) of the FOXN1 protein.

Literature cited by the submitters: PubMed 31566583.